The following is an entry in ClinVar:

NM_000709.4(BCKDHA):c.292C>T (p.Pro98Ser)

Gene: BCKDHA (branched chain keto acid dehydrogenase E1 subunit alpha; plus strand). Cytogenetic location: 19q13.2.
Variant type: single nucleotide variant.
Coding change: c.292C>T on transcript NM_000709.4 (MANE Select); coding-DNA position 292, C replaced by T.
Protein change: p.Pro98Ser; replaces proline 98 with serine.
Molecular consequence: missense variant.
Genome position (GRCh38, 1-based): chr19:41,410,926, C>T. VCF-style: chr19-41410926-C-T. GRCh37 (hg19) VCF-style: chr19-41916831-C-T.
Other names: c.292C>T, p.Pro98Ser (NM_001164783.2); short protein forms P98S.
Identifiers: ClinVar variation 4595624 (VCV004595624.1).

ClinVar aggregate classification (germline): Uncertain significance (1 of 4 stars; one submission).

Conditions:
Inborn genetic diseases. Identifiers: MedGen C0950123, MeSH D030342.

gnomAD v4.1: 1 of 1,614,134 alleles (0.000062%); no homozygotes.

Submission:

Ambry Genetics
Classification: Uncertain significance for Inborn genetic diseases. Last evaluated: 2025-10-23. Review status: criteria provided, single submitter. Criteria: Ambry Variant Classification Scheme 2023. Collection method: clinical testing. Allele origin: germline.
Comment: The p.P98S variant (also known as c.292C>T), located in coding exon 3 of the BCKDHA gene, results from a C to T substitution at nucleotide position 292. The proline at codon 98 is replaced by serine, an amino acid with similar properties. This amino acid position is conserved. In addition, the in silico prediction for this alteration is inconclusive. Based on the available evidence, the clinical significance of this variant remains unclear.